The following is an entry in ClinVar:

ClinVar aggregate classification (germline): Likely benign (0 of 4 stars; one submission).

Conditions:
PDGFRB-related disorder. Also called: PDGFRB-related condition.

Allele frequency attached by ClinVar (database versions not stated): gnomAD exomes below 0.00001; ExAC 0.00001; gnomAD 0.00001; TOPMed 0.00001; ESP Exome Variant Server 0.00008.
gnomAD v4.1: 3 of 1,613,938 alleles (0.00019%); highest among the groups gnomAD compares: Non-Finnish European, 0.00025%; no homozygotes.

Submission:

PreventionGenetics, part of Exact Sciences
Classification: Likely benign for PDGFRB-related condition. Last evaluated: 2019-05-10. Review status: no assertion criteria provided. Collection method: clinical testing. Allele origin: germline.
Comment: This variant is classified as likely benign based on ACMG/AMP sequence variant interpretation guidelines (Richards et al. 2015 PMID: 25741868, with internal and published modifications).

NM_002609.4(PDGFRB):c.252G>A (p.Val84=)

Gene: PDGFRB (platelet derived growth factor receptor beta; minus strand). Cytogenetic location: 5q32.
Variant type: single nucleotide variant.
Coding change: c.252G>A on transcript NM_002609.4 (MANE Select); coding-DNA position 252, G replaced by A.
Protein change: p.Val84=; no amino-acid change (valine 84 retained).
Molecular consequence: synonymous variant. On other transcripts: 5 prime UTR variant (1).
Genome position (GRCh38, 1-based): chr5:150,135,667, C>T on the plus strand (G>A on the coding strand, the complement: PDGFRB is on the minus strand). VCF-style: chr5-150135667-C-T. GRCh37 (hg19) VCF-style: chr5-149515230-C-T.
Other names: c.60G>A, p.Val20= (NM_001355016.2); c.-266G>A (NM_001355017.2).
Identifiers: ClinVar variation 3041297 (VCV003041297.2), dbSNP rs140893382, ClinGen allele CA3508379.
Genomic context (GRCh38, chr5:150,135,667, plus strand): 5'-GTCATTGTGGGTGCAAAAGTATTCTCCCGTGTCTAGCCCAGTGAGGTTGGTCAGTGTGAG[C>T]ACGCTGGAGAAGGTGCCATCCTGGGCCTTGGCCATTTCCTGTGGGGGCTCCTGGGACATC-3'
Protein context (NP_002600.1, residues 74-94): AKAQDGTFSS[Val84=]LTLTNLTGLD